The following is an entry in ClinVar:

ClinVar aggregate classification (germline): Uncertain significance. Review status: criteria provided, multiple submitters, no conflicts (2 of 4 stars). 2 submissions from 2 submitters: Uncertain significance (2). Last evaluated 2024-01-21.

Conditions:
Inborn genetic diseases. Identifiers: MedGen C0950123, MeSH D030342.
Mosaic variegated aneuploidy syndrome 1 (MVA1). Also called: Warburton-Anyane-Yeboa syndrome. Identifiers: Orphanet 1052, MedGen C1850343, MONDO:0009759, OMIM 257300.

Allele frequency attached by ClinVar (database versions not stated): TOPMed 0.00001; gnomAD exomes 0.00001.
gnomAD v4.1: 5 of 1,614,064 alleles (0.00031%); highest among the groups gnomAD compares: Non-Finnish European, 0.00042%; no homozygotes.

Submissions (2):

Ambry Genetics
Classification: Uncertain significance for Inborn genetic diseases. Last evaluated: 2024-01-21. Review status: criteria provided, single submitter. Criteria: Ambry Variant Classification Scheme 2023. Collection method: clinical testing. Allele origin: germline.
Comment: The p.Q380P variant (also known as c.1139A>C), located in coding exon 9 of the BUB1B gene, results from an A to C substitution at nucleotide position 1139. The glutamine at codon 380 is replaced by proline, an amino acid with similar properties. This amino acid position is conserved. In addition, this alteration is predicted to be tolerated by in silico analysis. Since supporting evidence is limited at this time, the clinical significance of this alteration remains unclear.

Labcorp Genetics (formerly Invitae), Labcorp
Classification: Uncertain significance for Mosaic variegated aneuploidy syndrome 1. Last evaluated: 2022-11-26. Review status: criteria provided, single submitter. Criteria: Invitae Variant Classification Sherloc (09022015). Collection method: clinical testing. Allele origin: germline.
Comment: In summary, the available evidence is currently insufficient to determine the role of this variant in disease. Therefore, it has been classified as a Variant of Uncertain Significance. Algorithms developed to predict the effect of missense changes on protein structure and function are either unavailable or do not agree on the potential impact of this missense change (SIFT: "Tolerated"; PolyPhen-2: "Possibly Damaging"; Align-GVGD: "Class C0"). ClinVar contains an entry for this variant (Variation ID: 845229). This variant has not been reported in the literature in individuals affected with BUB1B-related conditions. This variant is not present in population databases (gnomAD no frequency). This sequence change replaces glutamine, which is neutral and polar, with proline, which is neutral and non-polar, at codon 380 of the BUB1B protein (p.Gln380Pro).

NM_001211.6(BUB1B):c.1139A>C (p.Gln380Pro)

Gene: BUB1B (BUB1 mitotic checkpoint serine/threonine kinase B; plus strand). Cytogenetic location: 15q15.1.
Variant type: single nucleotide variant.
Coding change: c.1139A>C on transcript NM_001211.6 (MANE Select); coding-DNA position 1139, A replaced by C.
Protein change: p.Gln380Pro; replaces glutamine 380 with proline.
Molecular consequence: missense variant.
Genome position (GRCh38, 1-based): chr15:40,196,625, A>C. VCF-style: chr15-40196625-A-C. GRCh37 (hg19) VCF-style: chr15-40488826-A-C.
Other names: short protein forms Q380P.
Identifiers: ClinVar variation 845229 (VCV000845229.13), dbSNP rs990478595, ClinGen allele CA268791038.
Genomic context (GRCh38, chr15:40,196,625, plus strand): 5'-CTAGTATAAACCACATCCTAAGCACCAGAAAGCCTGGAAAGGAAGAAGGAGATCCTCTAC[A>C]AAGGGTTCAGAGCCATCAGCAAGCGTCTGAGGAGAAGAAAGAGAAGATGATGTATTGTAA-3'
Protein context (NP_001202.5, residues 370-390): KPGKEEGDPL[Gln380Pro]RVQSHQQASE